The following is an entry in ClinVar:

NM_001377.3(DYNC2H1):c.12420C>A (p.Tyr4140Ter)

Gene: DYNC2H1 (dynein cytoplasmic 2 heavy chain 1; plus strand). Cytogenetic location: 11q22.3.
Variant type: single nucleotide variant.
Coding change: c.12420C>A on transcript NM_001377.3 (MANE Select); coding-DNA position 12420, C replaced by A.
Protein change: p.Tyr4140Ter; replaces tyrosine 4140 with a stop codon.
Molecular consequence: nonsense.
Genome position (GRCh38, 1-based): chr11:103,435,996, C>A. VCF-style: chr11-103435996-C-A. GRCh37 (hg19) VCF-style: chr11-103306724-C-A.
Other names: c.12441C>A, p.Tyr4147Ter (NM_001080463.2); short protein forms Y4140*, Y4147*.
Identifiers: ClinVar variation 5015659 (VCV005015659.1).
Genomic context (GRCh38, chr11:103,435,996, plus strand): 5'-ATTGCAGTGTCCTCTCGCATGGCAGAGCAAGTGGGAAGGCCCAGAAGATCCCTTACAATA[C>A]CTGAGAGGTCTTGTTGCCCGTGCCCTTGCAATACAGGTATGCCTAAATTATTTACTAAGT-3'

ClinVar aggregate classification (germline): Pathogenic (1 of 4 stars; one submission).

Conditions:
Asphyxiating thoracic dystrophy 3. Also called: SHORT-RIB THORACIC DYSPLASIA 3 WITH OR WITHOUT POLYDACTYLY; POLYDACTYLY WITH NEONATAL CHONDRODYSTROPHY, TYPE I; SHORT-RIB THORACIC DYSPLASIA 3/6 WITH POLYDACTYLY, DIGENIC; Short rib polydactyly syndrome 2B; Saldino-Noonan Syndrome. Identifiers: Orphanet 474, Orphanet 93269, Orphanet 93270, Orphanet 93271, MedGen C0036069, MONDO:0013127, OMIM 613091.

Submission:

Myriad Genetics, Inc.
Classification: Pathogenic for Asphyxiating thoracic dystrophy 3. Last evaluated: 2026-03-10. Review status: criteria provided, single submitter. Criteria: Myriad Autosomal Dominant, Autosomal Recessive and X-Linked Classification Criteria (2023). Collection method: clinical testing. Allele origin: unknown.
Comment: NM_001377.2(DYNC2H1):c.12420C>A(Y4140*) is expected to be pathogenic in the context of DYNC2H1-related disorders. This variant is predicted to lead to an abnormal or absent protein product due to the creation of a premature termination codon in DYNC2H1, a gene where loss-of-function variants are known to be pathogenic. Please note: this variant was assessed in the context of healthy population screening.